The following is an entry in ClinVar:

NM_000059.4(BRCA2):c.1462A>C (p.Ile488Leu)

Gene: BRCA2 (BRCA2 DNA repair associated; plus strand). Cytogenetic location: 13q13.1.
Variant type: single nucleotide variant.
Coding change: c.1462A>C on transcript NM_000059.4 (MANE Select); coding-DNA position 1462, A replaced by C.
Protein change: p.Ile488Leu; replaces isoleucine 488 with leucine.
Molecular consequence: missense variant.
Genome position (GRCh38, 1-based): chr13:32,332,940, A>C. VCF-style: chr13-32332940-A-C. GRCh37 (hg19) VCF-style: chr13-32907077-A-C.
Other names: short protein forms I488L.
Identifiers: ClinVar variation 220031 (VCV000220031.14), dbSNP rs864622352, ClinGen allele CA350401.

ClinVar aggregate classification (germline): Conflicting classifications of pathogenicity. Review status: criteria provided, conflicting classifications (1 of 4 stars). 5 submissions from 5 submitters: Uncertain significance (2); Likely benign (1). 2 of the submissions do not count toward it. Last evaluated 2025-10-01.

Conditions:
Hereditary cancer-predisposing syndrome. Also called: Tumor predisposition; Hereditary neoplastic syndrome; Neoplastic Syndromes, Hereditary; Hereditary Cancer Syndrome. Identifiers: Orphanet 140162, MedGen C0027672, MeSH D009386, MONDO:0015356.
Hereditary breast ovarian cancer syndrome. Also called: Hereditary breast and ovarian cancer; BRCA1- and BRCA2-Associated Hereditary Breast and Ovarian Cancer; Hereditary breast and/or ovarian cancer syndrome; Hereditary breast and ovarian cancer syndrome; Hereditary breast and ovarian cancer syndrome (HBOC); Breast and ovarian cancer. Identifiers: Orphanet 145, MedGen C0677776, MeSH D061325, MONDO:0003582. Disease mechanism: loss of function.
Breast-ovarian cancer, familial, susceptibility to, 2 (BROVCA2). Also called: BRCA2 Hereditary Breast and Ovarian Cancer. Identifiers: Orphanet 145, MedGen C2675520, MONDO:0012933, OMIM 612555. Disease mechanism: loss of function.

Submissions (5):

Labcorp Genetics (formerly Invitae), Labcorp
Classification: Uncertain significance for Hereditary breast ovarian cancer syndrome. Last evaluated: 2025-10-01. Review status: criteria provided, single submitter. Criteria: Invitae Variant Classification Sherloc (09022015). Collection method: clinical testing. Allele origin: germline.
Comment: This sequence change replaces isoleucine, which is neutral and non-polar, with leucine, which is neutral and non-polar, at codon 488 of the BRCA2 protein (p.Ile488Leu). This variant is not present in population databases (gnomAD no frequency). This variant has not been reported in the literature in individuals affected with BRCA2-related conditions. ClinVar contains an entry for this variant (Variation ID: 220031). Invitae Evidence Modeling of protein sequence and biophysical properties (such as structural, functional, and spatial information, amino acid conservation, physicochemical variation, residue mobility, and thermodynamic stability) indicates that this missense variant is not expected to disrupt BRCA2 protein function with a negative predictive value of 95%. In summary, the available evidence is currently insufficient to determine the role of this variant in disease. Therefore, it has been classified as a Variant of Uncertain Significance.

Ambry Genetics
Classification: Uncertain significance for Hereditary cancer-predisposing syndrome. Last evaluated: 2023-09-20. Review status: criteria provided, single submitter. Criteria: Ambry Variant Classification Scheme 2023. Collection method: clinical testing. Allele origin: germline.
Comment: The p.I488L variant (also known as c.1462A>C), located in coding exon 9 of the BRCA2 gene, results from an A to C substitution at nucleotide position 1462. The isoleucine at codon 488 is replaced by leucine, an amino acid with highly similar properties. This amino acid position is not well conserved in available vertebrate species. In addition, this alteration is predicted to be tolerated by in silico analysis. Since supporting evidence is limited at this time, the clinical significance of this alteration remains unclear.

University of Washington Department of Laboratory Medicine, University of Washington
Classification: Likely benign for Hereditary cancer-predisposing syndrome. Last evaluated: 2023-03-23. Review status: criteria provided, single submitter. Criteria: Dines et al. (Genet Med. 2020). Collection method: curation. Allele origin: germline.
Comment: Missense variant in a coldspot region where missense variants are very unlikely to be pathogenic (PMID:31911673).

BRCA2 exon 10 coldspot. Reclassification based on statistical prior probability.

Department of Medical and Surgical Sciences, University of Bologna
Classification: Likely benign for Breast-ovarian cancer, familial, susceptibility to, 2. Last evaluated: 2023-09-01. Review status: no assertion criteria provided. Collection method: clinical testing. Allele origin: germline. Affected: yes. Not counted in ClinVar's aggregate classification.
Comment: PM2(Supporting)+BP1(Strong) according to ACMG/AMP classification guidelines specified for BRCA1 & BRCA2 (Classification Criteria V1.0.0 2023-09-08) (PMID: 38160042)

Department of Pathology and Laboratory Medicine, Sinai Health System
Classification: Uncertain significance for Breast-ovarian cancer, familial, susceptibility to, 2. Review status: no assertion criteria provided. Collection method: clinical testing. Allele origin: unknown. Affected: yes. Study: The Canadian Open Genetics Repository (COGR). Not counted in ClinVar's aggregate classification.
Comment: The BRCA2 p.Ile488Leu variant was not identified in the literature nor was it identified in the LOVD 3.0 database. The variant was identified in dbSNP (ID: rs864622352) as "With Uncertain significance allele", ClinVar (classified as uncertain significance by Invitae), and UMD-LSDB (classified as a polymorphism).The variant was not identified in the following control databases: the Exome Aggregation Consortium (August 8th 2016), or the Genome Aggregation Database (Feb 27, 2017). The p.Ile488 residue is not conserved in mammals and computational analyses (PolyPhen-2, SIFT, AlignGVGD, BLOSUM, MutationTaster) do not suggest a high likelihood of impact to the protein; however, this information is not predictive enough to rule out pathogenicity. The variant occurs outside of the splicing consensus sequence and 1 of 4 in silico or computational prediction software programs (SpliceSiteFinder, MaxEntScan, NNSPLICE, GeneSplicer) predict a greater than 10% difference in splicing; this is not very predictive of pathogenicity. In summary, based on the above information the clinical significance of this variant cannot be determined with certainty at this time. This variant is classified as a variant of uncertain significance.